The following is an entry in ClinVar:

ClinVar aggregate classification (germline): Uncertain significance. Review status: criteria provided, multiple submitters, no conflicts (2 of 4 stars). 2 submissions from 2 submitters: Uncertain significance (2). Last evaluated 2024-03-24.

Conditions:
Hereditary cancer-predisposing syndrome. Also called: Hereditary Cancer Syndrome; Tumor predisposition; Hereditary neoplastic syndrome; Neoplastic Syndromes, Hereditary. Identifiers: Orphanet 140162, MedGen C0027672, MeSH D009386, MONDO:0015356.

gnomAD v4.1: 2 of 1,613,502 alleles (0.00012%); highest among the groups gnomAD compares: Non-Finnish European, 0.00017%; no homozygotes.

Submissions (2):

Ambry Genetics
Classification: Uncertain significance for Hereditary cancer-predisposing syndrome. Last evaluated: 2024-03-24. Review status: criteria provided, single submitter. Criteria: Ambry Variant Classification Scheme 2023. Collection method: clinical testing. Allele origin: germline.
Comment: The p.T441I variant (also known as c.1322C>T), located in coding exon 11 of the CHEK2 gene, results from a C to T substitution at nucleotide position 1322. The threonine at codon 441 is replaced by isoleucine, an amino acid with similar properties. This amino acid position is conserved. In addition, this alteration is predicted to be tolerated by in silico analysis. Based on the available evidence, the clinical significance of this alteration remains unclear.

GeneDx
Classification: Uncertain significance. Last evaluated: 2023-07-24. Review status: criteria provided, single submitter. Criteria: GeneDx Variant Classification Process June 2021. Collection method: clinical testing. Allele origin: germline. Affected: yes.
Comment: Not observed at significant frequency in large population cohorts (gnomAD); In silico analysis supports that this missense variant does not alter protein structure/function; Has not been previously published as pathogenic or benign to our knowledge; This variant is associated with the following publications: (PMID: 22419737, 19782031)

NM_007194.4(CHEK2):c.1322C>T (p.Thr441Ile)

Gene: CHEK2 (checkpoint kinase 2; minus strand). Cytogenetic location: 22q12.1.
Variant type: single nucleotide variant.
Coding change: c.1322C>T on transcript NM_007194.4 (MANE Select); coding-DNA position 1322, C replaced by T.
Protein change: p.Thr441Ile; replaces threonine 441 with isoleucine.
Molecular consequence: missense variant.
Genome position (GRCh38, 1-based): chr22:28,695,180, G>A on the plus strand (C>T on the coding strand, the complement: CHEK2 is on the minus strand). VCF-style: chr22-28695180-G-A. GRCh37 (hg19) VCF-style: chr22-29091168-G-A.
Other names: c.1451C>T, p.Thr484Ile (NM_001005735.3); c.659C>T, p.Thr220Ile (NM_001257387.3); c.1121C>T, p.Thr374Ile (NM_001349956.3); c.1235C>T, p.Thr412Ile (NM_145862.3); short protein forms T374I, T220I, T441I, T412I, T484I.
Identifiers: ClinVar variation 3266951 (VCV003266951.2).